The following is an entry in ClinVar:

NM_003489.4(NRIP1):c.2757C>T (p.Ser919=)

Gene: NRIP1 (nuclear receptor interacting protein 1; minus strand). Cytogenetic location: 21q11.2.
Variant type: single nucleotide variant.
Coding change: c.2757C>T on transcript NM_003489.4 (MANE Select); coding-DNA position 2757, C replaced by T.
Protein change: p.Ser919=; no amino-acid change (serine 919 retained).
Molecular consequence: synonymous variant.
Genome position (GRCh38, 1-based): chr21:14,965,436, G>A on the plus strand (C>T on the coding strand, the complement: NRIP1 is on the minus strand). VCF-style: chr21-14965436-G-A. GRCh37 (hg19) VCF-style: chr21-16337757-G-A.
Other names: c.2757C>T (NM_003489.3).
Identifiers: ClinVar variation 2172009 (VCV002172009.6), dbSNP rs369484206, ClinGen allele CA9981088.

ClinVar aggregate classification (germline): Likely benign. Review status: criteria provided, single submitter (1 of 4 stars). 2 submissions from 2 submitters: Likely benign (1). 1 of the submissions does not count toward it. Last evaluated 2024-09-06.

Conditions:
NRIP1-related disorder. Also called: NRIP1-related condition.

Allele frequency attached by ClinVar (database versions not stated): TOPMed 0.00015; ExAC 0.00017; gnomAD 0.00018; ESP Exome Variant Server 0.00038.
gnomAD v4.1: 404 of 1,613,666 alleles (0.025%); highest among the groups gnomAD compares: Non-Finnish European, 0.031%; 1 homozygote.

Submissions (2):

Labcorp Genetics (formerly Invitae), Labcorp
Classification: Likely benign. Last evaluated: 2024-09-06. Review status: criteria provided, single submitter. Criteria: Invitae Variant Classification Sherloc (09022015). Collection method: clinical testing. Allele origin: germline.

PreventionGenetics, part of Exact Sciences
Classification: Likely benign for NRIP1-related condition. Last evaluated: 2021-10-04. Review status: no assertion criteria provided. Collection method: clinical testing. Allele origin: germline. Not counted in ClinVar's aggregate classification.
Comment: This variant is classified as likely benign based on ACMG/AMP sequence variant interpretation guidelines (Richards et al. 2015 PMID: 25741868, with internal and published modifications).